The following is an entry in ClinVar:

NM_024757.5(EHMT1):c.1434_1435del (p.Tyr479fs)

Gene: EHMT1 (euchromatic histone lysine methyltransferase 1; plus strand). Cytogenetic location: 9q34.3.
Variant type: Deletion.
Coding change: c.1434_1435del on transcript NM_024757.5 (MANE Select); coding-DNA positions 1434 to 1435, 2 bases deleted (GT; older notation c.1434_1435delGT).
Protein change: p.Tyr479fs; shifts the reading frame from tyrosine 479.
Molecular consequence: frameshift variant.
Genome position (GRCh38, 1-based): chr9:137,757,944-137,757,945, GT deleted. VCF-style (leftmost placement, unchanged base first): chr9-137757943-GGT-G. GRCh37 (hg19) VCF-style: chr9-140652395-GGT-G.
Other names: c.1434_1435del, p.Tyr479fs (NM_001145527.2, NM_001354611.2); c.1341_1342del, p.Tyr448fs (NM_001354259.2, NM_001354612.2); c.1413_1414del, p.Tyr472fs (NM_001354263.2); short protein forms Y479fs, Y448fs, Y472fs.
Identifiers: ClinVar variation 431703 (VCV000431703.3), dbSNP rs1554867189, ClinGen allele CA658797392.

ClinVar aggregate classification (germline): Pathogenic. Review status: criteria provided, multiple submitters, no conflicts (2 of 4 stars). 2 submissions from 2 submitters: Pathogenic (2). Last evaluated 2025-12-11.

Conditions:
Kleefstra syndrome 1 (KLEFS1). Identifiers: Orphanet 261494, MedGen C0795833, MONDO:0027407, OMIM 610253.

Submissions (2):

3billion
Classification: Pathogenic for Kleefstra syndrome 1. Last evaluated: 2025-12-11. Review status: criteria provided, single submitter. Criteria: ACMG Guidelines, 2015. Collection method: clinical testing. Allele origin: germline. Affected: yes.
Comment: The variant is not observed in the gnomAD v4.1.0 dataset. Predicted Consequence/Location: Frameshift: predicted to result in a loss or disruption of normal protein function through nonsense-mediated decay (NMD) or protein truncation. Multiple pathogenic variants are reported downstream of the variant. The variant has been previously reported as de novo in a similarly affected individual (PMID: 30542205). The variant has been reported to be associated with EHMT1-related disorder (ClinVar ID: VCV000431703 /PMID: 30542205). Therefore, this variant is classified as Pathogenic according to the recommendation of ACMG/AMP guideline.

TIDEX, University of British Columbia
Classification: Pathogenic for Kleefstra syndrome 1. Review status: criteria provided, single submitter. Criteria: ACMG Guidelines, 2015. Collection method: research. Allele origin: de novo. Inheritance: Autosomal dominant inheritance. Affected: yes.

Literature cited by the submitters: PubMed 30542205 (cited by 3billion).